The following is an entry in ClinVar:

ClinVar aggregate classification (germline): Likely pathogenic (1 of 4 stars; one submission).

gnomAD v4.1: 1 of 1,613,492 alleles (0.000062%); highest among the groups gnomAD compares: Non-Finnish European, 0.000085%; no homozygotes.

Submission:

Labcorp Genetics (formerly Invitae), Labcorp
Classification: Likely pathogenic. Last evaluated: 2023-09-22. Review status: criteria provided, single submitter. Criteria: Invitae Variant Classification Sherloc (09022015). Collection method: clinical testing. Allele origin: germline.
Comment: In summary, the currently available evidence indicates that the variant is pathogenic, but additional data are needed to prove that conclusively. Therefore, this variant has been classified as Likely Pathogenic. Algorithms developed to predict the effect of sequence changes on RNA splicing suggest that this variant may disrupt the consensus splice site. Disruption of this splice site has been observed in individual(s) with erythropoietic protoporphyria (PMID: 10417624, 33021473). This variant is not present in population databases (gnomAD no frequency). This sequence change affects a donor splice site in intron 6 of the FECH gene. It is expected to disrupt RNA splicing. Variants that disrupt the donor or acceptor splice site typically lead to a loss of protein function (PMID: 16199547), and loss-of-function variants in FECH are known to be pathogenic (PMID: 20105171, 23016163, 23364466).

Literature cited by the submitters: PubMed 10417624; PubMed 33021473; PubMed 16199547; PubMed 20105171; PubMed 23016163; PubMed 23364466.

NM_000140.5(FECH):c.705+1G>A

Gene: FECH (ferrochelatase; minus strand). Cytogenetic location: 18q21.31.
Variant type: single nucleotide variant.
Coding change: c.705+1G>A on transcript NM_000140.5 (MANE Select); the canonical splice donor site of the intron after coding-DNA position 705, G replaced by A.
Molecular consequence: splice donor variant.
Genome position (GRCh38, 1-based): chr18:57,562,873, C>T on the plus strand (G>A on the coding strand, the complement: FECH is on the minus strand). VCF-style: chr18-57562873-C-T. GRCh37 (hg19) VCF-style: chr18-55230105-C-T.
Other names: c.705+1G>A (NM_001371094.1, NM_001374778.1); c.723+1G>A (NM_001012515.4); c.489+1G>A (NM_001371095.1).
Identifiers: ClinVar variation 2736737 (VCV002736737.3), dbSNP rs2511528486, ClinGen allele CA402535817.
Genomic context (GRCh38, chr18:57,562,873, plus strand): 5'-GATGAGAAGCTGATTCACACTAGATGCTGGGGTGACAGGCAGCTGGCAAGCACTGGCTTA[C>T]CTGGATGAGGAGGTGATGTGTGGGCCACCTGTCAATAGTGCTCCACTTCATCGTGGGCTT-3'